The following is an entry in ClinVar:

ClinVar aggregate classification (germline): Uncertain significance (1 of 4 stars; one submission).

Conditions:
DACT1-related disorder. Also called: DACT1-related condition.

gnomAD v4.1: 2 of 1,613,620 alleles (0.00012%); highest among the groups gnomAD compares: Admixed American, 0.0033%; no homozygotes.

Submission:

PreventionGenetics, part of Exact Sciences
Classification: Uncertain significance for DACT1-related condition. Last evaluated: 2025-12-10. Review status: criteria provided, single submitter. Criteria: ACMG Guidelines, 2015. Collection method: clinical testing. Allele origin: germline.
Comment: The DACT1 c.1550G>A variant is predicted to result in the amino acid substitution p.Gly517Asp. To our knowledge, this variant has not been reported in the literature. This variant is reported in 0.0058% of alleles in individuals of Latino descent in gnomAD. At this time, the clinical significance of this variant is uncertain due to the absence of conclusive functional and genetic evidence.

NM_001079520.2(DACT1):c.1439G>A (p.Gly480Asp)

Gene: DACT1 (dishevelled binding antagonist of beta catenin 1; plus strand). Cytogenetic location: 14q23.1.
Variant type: single nucleotide variant.
Coding change: c.1439G>A on transcript NM_001079520.2 (MANE Select); coding-DNA position 1439, G replaced by A.
Protein change: p.Gly480Asp; replaces glycine 480 with aspartic acid.
Molecular consequence: missense variant. On other transcripts: non-coding transcript variant (5).
Genome position (GRCh38, 1-based): chr14:58,646,173, G>A. VCF-style: chr14-58646173-G-A. GRCh37 (hg19) VCF-style: chr14-59112891-G-A.
Other names: c.1550G>A, p.Gly517Asp (NM_016651.6); short protein forms G517D, G480D.
Identifiers: ClinVar variation 4991436 (VCV004991436.1).